The following is an entry in ClinVar:

NM_001271.4(CHD2):c.3886-18C>T

Gene: CHD2 (chromodomain helicase DNA binding protein 2; plus strand). Cytogenetic location: 15q26.1.
Variant type: single nucleotide variant.
Coding change: c.3886-18C>T on transcript NM_001271.4 (MANE Select); 18 bases into the intron before coding-DNA position 3886, C replaced by T.
Molecular consequence: intron variant.
Genome position (GRCh38, 1-based): chr15:92,998,481, C>T. VCF-style: chr15-92998481-C-T. GRCh37 (hg19) VCF-style: chr15-93541711-C-T.
Identifiers: ClinVar variation 2887372 (VCV002887372.3), dbSNP rs2054212011, ClinGen allele CA2196383138.
Genomic context (GRCh38, chr15:92,998,481, plus strand): 5'-TTTGTTGTCTCTGTTTATCCTGATCCACTAACCAGGATGTGGGTGGTGGCGGGTGCTTCT[C>T]TTCCTTTCTTGTTGAAGATTCTGCCGGTGGAGACAGATAAAAAGCCTCAGGGGAAGCAGC-3'

ClinVar aggregate classification (germline): Uncertain significance (1 of 4 stars; one submission).

Conditions:
Developmental and epileptic encephalopathy 94 (DEE94). Also called: CHD2-Related Neurodevelopmental Disorders; Epileptic encephalopathy, childhood-onset. Identifiers: Orphanet 1942, Orphanet 2382, MedGen C3809278, MONDO:0014150, OMIM 615369.

Allele frequency attached by ClinVar (database versions not stated): gnomAD exomes below 0.00001; TOPMed 0.00001.
gnomAD v4.1: 3 of 1,613,626 alleles (0.00019%); highest among the groups gnomAD compares: African/African-American, 0.0013%; no homozygotes.

Submission:

Labcorp Genetics (formerly Invitae), Labcorp
Classification: Uncertain significance for Developmental and epileptic encephalopathy 94. Last evaluated: 2023-02-06. Review status: criteria provided, single submitter. Criteria: Invitae Variant Classification Sherloc (09022015). Collection method: clinical testing. Allele origin: germline.
Comment: This variant has not been reported in the literature in individuals affected with CHD2-related conditions. Algorithms developed to predict the effect of sequence changes on RNA splicing suggest that this variant may disrupt the consensus splice site. In summary, the available evidence is currently insufficient to determine the role of this variant in disease. Therefore, it has been classified as a Variant of Uncertain Significance. This sequence change falls in intron 30 of the CHD2 gene. It does not directly change the encoded amino acid sequence of the CHD2 protein. This variant is not present in population databases (gnomAD no frequency).